The following is an entry in ClinVar:

ClinVar aggregate classification (germline): Benign. Review status: criteria provided, multiple submitters, no conflicts (2 of 4 stars). 2 submissions from 2 submitters: Benign (2). Last evaluated 2016-05-11.

Allele frequency attached by ClinVar (database versions not stated): 1000 Genomes Project 30x 0.09931; TOPMed 0.02429; ESP Exome Variant Server 0.00308; 1000 Genomes Project 0.11062.
gnomAD v4.1: 31,304 of 1,611,170 alleles (1.9%); highest among the groups gnomAD compares: East Asian, 48%; 5,583 homozygotes.

Submissions (2):

GeneDx
Classification: Benign. Last evaluated: 2016-05-11. Review status: criteria provided, single submitter. Criteria: GeneDx Variant Classification (06012015). Collection method: clinical testing. Allele origin: germline. Affected: yes.
Comment: This variant is considered likely benign or benign based on one or more of the following criteria: it is a conservative change, it occurs at a poorly conserved position in the protein, it is predicted to be benign by multiple in silico algorithms, and/or has population frequency not consistent with disease.

Breakthrough Genomics
Classification: Benign. Review status: criteria provided, single submitter. Criteria: ACMG Guidelines, 2015. Collection method: not provided. Allele origin: germline. Inheritance: Autosomal recessive inheritance. Affected: yes.

NM_002768.5(CHMP1A):c.*94C>T

Gene: CHMP1A (charged multivesicular body protein 1A; minus strand). Cytogenetic location: 16q24.3.
Variant type: single nucleotide variant.
Coding change: c.*94C>T on transcript NM_002768.5 (MANE Select); 94 bases downstream of the stop codon, C replaced by T.
Molecular consequence: 3 prime UTR variant. On other transcripts: missense variant (1), non-coding transcript variant (1).
Genome position (GRCh38, 1-based): chr16:89,645,972, G>A on the plus strand (C>T on the coding strand, the complement: CHMP1A is on the minus strand). VCF-style: chr16-89645972-G-A. GRCh37 (hg19) VCF-style: chr16-89712380-G-A.
Other names: c.665C>T, p.Ala222Val (NM_001083314.4); short protein forms A222V.
Identifiers: ClinVar variation 380948 (VCV000380948.2), dbSNP rs116954456, ClinGen allele CA8246874.